The following is an entry in ClinVar:

ClinVar aggregate classification (germline): Likely benign. Review status: criteria provided, multiple submitters, no conflicts (2 of 4 stars). 2 submissions from 2 submitters: Likely benign (2). Last evaluated 2026-03-13.

Conditions:
Deficiency of aromatic-L-amino-acid decarboxylase. Also called: AADC DEFICIENCY; DDC DEFICIENCY; DOPA DECARBOXYLASE DEFICIENCY; Aromatic L-Amino Acid Decarboxylase Deficiency; Aromatic amino acid decarboxylase deficiency. Identifiers: Orphanet 35708, MedGen C1291564, MONDO:0012084, OMIM 608643.
DDC-related disorder. Also called: DDC-related condition.

Allele frequency attached by ClinVar (database versions not stated): gnomAD exomes 0.00001; ExAC 0.00002; TOPMed 0.00002.
gnomAD v4.1: 5 of 1,614,238 alleles (0.00031%); highest among the groups gnomAD compares: Admixed American, 0.005%; no homozygotes.

Submissions (2):

PreventionGenetics, part of Exact Sciences
Classification: Likely benign for DDC-related condition. Last evaluated: 2026-03-13. Review status: criteria provided, single submitter. Criteria: ACMG Guidelines, 2015. Collection method: clinical testing. Allele origin: germline.
Comment: This variant is classified as likely benign based on ACMG/AMP sequence variant interpretation guidelines (Richards et al. 2015 PMID: 25741868, with internal and published modifications).

Labcorp Genetics (formerly Invitae), Labcorp
Classification: Likely benign for Deficiency of aromatic-L-amino-acid decarboxylase. Last evaluated: 2025-08-19. Review status: criteria provided, single submitter. Criteria: Invitae Variant Classification Sherloc (09022015). Collection method: clinical testing. Allele origin: germline.

NM_001082971.2(DDC):c.1365G>A (p.Val455=)

Gene: DDC (dopa decarboxylase; minus strand). Cytogenetic location: 7p12.2.
Variant type: single nucleotide variant.
Coding change: c.1365G>A on transcript NM_001082971.2 (MANE Select); coding-DNA position 1365, G replaced by A.
Protein change: p.Val455=; no amino-acid change (valine 455 retained).
Molecular consequence: synonymous variant.
Genome position (GRCh38, 1-based): chr7:50,463,309, C>T on the plus strand (G>A on the coding strand, the complement: DDC is on the minus strand). VCF-style: chr7-50463309-C-T. GRCh37 (hg19) VCF-style: chr7-50531007-C-T.
Other names: c.1365G>A, p.Val455= (NM_000790.4); c.1251G>A, p.Val417= (NM_001242886.2); c.1221G>A, p.Val407= (NM_001242887.2); c.1131G>A, p.Val377= (NM_001242888.2); c.1086G>A, p.Val362= (NM_001242889.2); c.1365G>A (NM_000790.3).
Identifiers: ClinVar variation 2727639 (VCV002727639.4), dbSNP rs747784661, ClinGen allele CA4261982.